The following is an entry in ClinVar:

ClinVar aggregate classification (germline): Uncertain significance (1 of 4 stars; one submission).

Allele frequency attached by ClinVar (database versions not stated): gnomAD 0.00001; TOPMed 0.00001; gnomAD exomes 0.00002.

Submission:

Labcorp Genetics (formerly Invitae), Labcorp
Classification: Uncertain significance. Last evaluated: 2025-11-03. Review status: criteria provided, single submitter. Criteria: Invitae Variant Classification Sherloc (09022015). Collection method: clinical testing. Allele origin: germline.
Comment: This sequence change replaces proline, which is neutral and non-polar, with leucine, which is neutral and non-polar, at codon 134 of the DUOX2 protein (p.Pro134Leu). This variant is present in population databases (no rsID available, gnomAD 0.01%). This variant has not been reported in the literature in individuals affected with DUOX2-related conditions. ClinVar contains an entry for this variant (Variation ID: 1411756). Invitae Evidence Modeling of protein sequence and biophysical properties (such as structural, functional, and spatial information, amino acid conservation, physicochemical variation, residue mobility, and thermodynamic stability) indicates that this missense variant is expected to disrupt DUOX2 protein function with a positive predictive value of 80%. In summary, the available evidence is currently insufficient to determine the role of this variant in disease. Therefore, it has been classified as a Variant of Uncertain Significance.

NM_001363711.2(DUOX2):c.401C>T (p.Pro134Leu)

Gene: DUOX2 (dual oxidase 2; minus strand). Cytogenetic location: 15q21.1.
Variant type: single nucleotide variant.
Coding change: c.401C>T on transcript NM_001363711.2 (MANE Select); coding-DNA position 401, C replaced by T.
Protein change: p.Pro134Leu; replaces proline 134 with leucine.
Molecular consequence: missense variant.
Genome position (GRCh38, 1-based): chr15:45,111,880, G>A on the plus strand (C>T on the coding strand, the complement: DUOX2 is on the minus strand). VCF-style: chr15-45111880-G-A. GRCh37 (hg19) VCF-style: chr15-45404078-G-A.
Other names: c.401C>T, p.Pro134Leu (NM_014080.5); short protein forms P134L.
Identifiers: ClinVar variation 1411756 (VCV001411756.6), dbSNP rs1425803214, ClinGen allele CA392279388.